The following is an entry in ClinVar:

NM_001085458.2(CTNND1):c.367_368del (p.Val123fs)

Genes: CTNND1 (catenin delta 1; plus strand), TMX2-CTNND1 (TMX2-CTNND1 readthrough (NMD candidate); plus strand). Cytogenetic location: 11q12.1.
Variant type: Deletion.
Coding change: c.367_368del on transcript NM_001085458.2 (MANE Select); coding-DNA positions 367 to 368, 2 bases deleted (GT; older notation c.367_368delGT).
Protein change: p.Val123fs; shifts the reading frame from valine 123.
Molecular consequence: frameshift variant. On other transcripts: non-coding transcript variant (1).
Genome position (GRCh38, 1-based): chr11:57,795,676-57,795,677, GT deleted; deleting any 2 consecutive bases within chr11:57,795,675-57,795,677 gives the same sequence; the c. name uses the placement nearest the transcript's 3' end. VCF-style (leftmost placement, unchanged base first): chr11-57795674-CTG-C. GRCh37 (hg19) VCF-style: chr11-57563146-CTG-C.
Other names: c.205_206del, p.Val69fs (NM_001206887.2, NM_001206888.2, NM_001206889.2 and 4 more transcripts); c.64_65del, p.Val22fs (NM_001206890.2, NM_001085463.2, NM_001085464.2 and 5 more transcripts); c.367_368del, p.Val123fs (NM_001331.3, NM_001206885.2, NM_001085459.2 and 3 more transcripts); short protein forms V123fs, V22fs, V69fs.
Identifiers: ClinVar variation 4890794 (VCV004890794.1).
Genomic context (GRCh38, chr11:57,795,674, plus strand): 5'-TGCAGGAGCCGGGGCAGATTGTGGAGACCTACACGGAGGAGGATCCTGAGGGAGCCATGT[CTG>C]TAGTCTCTGTGGAGACCTCAGATGATGGGACCACTCGGCGCACAGAGACCACGGTAAACT-3'

ClinVar aggregate classification (germline): Pathogenic (1 of 4 stars; one submission).

Conditions:
Blepharocheilodontic syndrome 2 (BCDS2). Identifiers: MedGen C4540127, MONDO:0040503, OMIM 617681.

Submission:

Prenatal Diagnosis Center, Yancheng Maternal and Child Health Care Hospital Affiliated to Yangzhou University
Classification: Pathogenic for Blepharocheilodontic syndrome 2. Last evaluated: 2026-03-20. Review status: criteria provided, single submitter. Criteria: ACMG Guidelines, 2015. Collection method: clinical testing. Allele origin: de novo. Affected: yes.
Comment: The CTNND1 c.367_368del is a frameshift variant and located in the 5th exon (a total of 21 exons) of NM_001085458.2 transcript. This variant is expected to result in loss of function by premature protein truncation or nonsense-mediated mRNA decay. Not observed at significant frequency in large population cohorts (gnomAD, 1000 Genomes) and not been reported in the literature, indicating this variant is rare. The c.367_368del variant of the tested sample was confirmed to be a de novo variant through parental sample verification. Based on the available evidence, this variant has been classified as Pathogenic.